The following is an entry in ClinVar:

ClinVar aggregate classification (germline): Benign/Likely benign. Review status: criteria provided, multiple submitters, no conflicts (2 of 4 stars). 2 submissions from 2 submitters: Benign (1); Likely benign (1). Last evaluated 2024-11-06.

Allele frequency attached by ClinVar (database versions not stated): ESP Exome Variant Server 0.00159; gnomAD 0.00321; TOPMed 0.00324; 1000 Genomes Project 30x 0.00562; 1000 Genomes Project 0.00639; ExAC 0.00823.
gnomAD v4.1: 1,982 of 1,558,554 alleles (0.13%); highest among the groups gnomAD compares: South Asian, 1.1%; 14 homozygotes.

Submissions (2):

Blueprint Genetics
Classification: Likely benign. Last evaluated: 2024-11-06. Review status: criteria provided, single submitter. Criteria: ACMG Guidelines, 2015. Collection method: clinical testing. Allele origin: germline.

CeGaT Center for Human Genetics Tuebingen
Classification: Benign. Last evaluated: 2024-08-01. Review status: criteria provided, single submitter. Criteria: CeGaT Center For Human Genetics Tuebingen Variant Classification Criteria Version 2. Collection method: clinical testing. Allele origin: germline. Affected: yes. Observed: 2 variant alleles.
Comment: SMPD4: BP4, BP7, BS1, BS2

NM_017951.5(SMPD4):c.1068C>T (p.His356=)

Gene: SMPD4 (sphingomyelin phosphodiesterase 4; minus strand). Cytogenetic location: 2q21.1.
Variant type: single nucleotide variant.
Coding change: c.1068C>T on transcript NM_017951.5 (MANE Select); coding-DNA position 1068, C replaced by T.
Protein change: p.His356=; no amino-acid change (histidine 356 retained).
Molecular consequence: synonymous variant. On other transcripts: non-coding transcript variant (2).
Genome position (GRCh38, 1-based): chr2:130,157,280, G>A on the plus strand (C>T on the coding strand, the complement: SMPD4 is on the minus strand). VCF-style: chr2-130157280-G-A. GRCh37 (hg19) VCF-style: chr2-130914853-G-A.
Other names: c.879C>T, p.His293= (NM_001171083.2); c.1098C>T, p.His366= (NM_017751.4).
Identifiers: ClinVar variation 2651359 (VCV002651359.25), dbSNP rs10206469, ClinGen allele CA1869955.